The following is an entry in ClinVar:

NM_000330.4(RS1):c.415C>T (p.Gln139Ter)

Genes: CDKL5 (cyclin dependent kinase like 5; plus strand), RS1 (retinoschisin 1; minus strand). Cytogenetic location: Xp22.13.
Variant type: single nucleotide variant.
Coding change: c.415C>T on transcript NM_000330.4 (MANE Select); coding-DNA position 415, C replaced by T.
Protein change: p.Gln139Ter; replaces glutamine 139 with a stop codon.
Molecular consequence: nonsense. On other transcripts: intron variant (2).
Genome position (GRCh38, 1-based): chrX:18,644,537, G>A on the plus strand (C>T on the coding strand, the complement: RS1 is on the minus strand). VCF-style: chrX-18644537-G-A. GRCh37 (hg19) VCF-style: chrX-18662657-G-A.
Other names: c.2714-1470G>A (NM_003159.3, NM_001037343.2); short protein forms Q139*.
Identifiers: ClinVar variation 1996492 (VCV001996492.4), dbSNP rs2518919828, ClinGen allele CA412371909.

ClinVar aggregate classification (germline): Pathogenic (1 of 4 stars; one submission).

Submission:

Labcorp Genetics (formerly Invitae), Labcorp
Classification: Pathogenic. Last evaluated: 2022-06-26. Review status: criteria provided, single submitter. Criteria: Invitae Variant Classification Sherloc (09022015). Collection method: clinical testing. Allele origin: germline.
Comment: This sequence change creates a premature translational stop signal (p.Gln139*) in the RS1 gene. It is expected to result in an absent or disrupted protein product. Loss-of-function variants in RS1 are known to be pathogenic (PMID: 9618178, 17172462). This variant is not present in population databases (gnomAD no frequency). This variant has not been reported in the literature in individuals affected with RS1-related conditions. Algorithms developed to predict the effect of sequence changes on RNA splicing suggest that this variant may create or strengthen a splice site. For these reasons, this variant has been classified as Pathogenic.

Literature cited by the submitters: PubMed 9618178; PubMed 17172462.